The following is an entry in ClinVar:

NM_001846.4(COL4A2):c.2043C>T (p.Cys681=)

Gene: COL4A2 (collagen type IV alpha 2 chain; plus strand). Cytogenetic location: 13q34.
Variant type: single nucleotide variant.
Coding change: c.2043C>T on transcript NM_001846.4 (MANE Select); coding-DNA position 2043, C replaced by T.
Protein change: p.Cys681=; no amino-acid change (cysteine 681 retained).
Molecular consequence: synonymous variant.
Genome position (GRCh38, 1-based): chr13:110,467,044, C>T. VCF-style: chr13-110467044-C-T. GRCh37 (hg19) VCF-style: chr13-111119391-C-T.
Identifiers: ClinVar variation 2573477 (VCV002573477.2), dbSNP rs1373028411, ClinGen allele CA484800021.

ClinVar aggregate classification (germline): Likely benign. Review status: criteria provided, multiple submitters, no conflicts (2 of 4 stars). 2 submissions from 2 submitters: Likely benign (2). Last evaluated 2026-09-11.

Conditions:
COL4A2-related disorder. Also called: COL4A2-related disorders; COL4A2-related condition.

Allele frequency attached by ClinVar (database versions not stated): gnomAD 0.00002; TOPMed 0.00002.
gnomAD v4.1: 3 of 1,613,888 alleles (0.00019%); highest among the groups gnomAD compares: Non-Finnish European, 0.00025%; no homozygotes.

Submissions (2):

PreventionGenetics, part of Exact Sciences
Classification: Likely benign for COL4A2-related condition. Last evaluated: 2026-09-11. Review status: criteria provided, single submitter. Criteria: ACMG Guidelines, 2015. Collection method: clinical testing. Allele origin: germline.
Comment: This variant is classified as likely benign based on ACMG/AMP sequence variant interpretation guidelines (Richards et al. 2015 PMID: 25741868, with internal and published modifications).

Women's Health and Genetics/Laboratory Corporation of America, LabCorp
Classification: Likely benign. Last evaluated: 2023-06-26. Review status: criteria provided, single submitter. Criteria: LabCorp Variant Classification Summary - May 2015. Collection method: clinical testing. Allele origin: germline.